The following is an entry in ClinVar:

NM_012448.4(STAT5B):c.2302C>T (p.Arg768Cys)

Gene: STAT5B (signal transducer and activator of transcription 5B; minus strand). Cytogenetic location: 17q21.2.
Variant type: single nucleotide variant.
Coding change: c.2302C>T on transcript NM_012448.4 (MANE Select); coding-DNA position 2302, C replaced by T.
Protein change: p.Arg768Cys; replaces arginine 768 with cysteine.
Molecular consequence: missense variant.
Genome position (GRCh38, 1-based): chr17:42,201,800, G>A on the plus strand (C>T on the coding strand, the complement: STAT5B is on the minus strand). VCF-style: chr17-42201800-G-A. GRCh37 (hg19) VCF-style: chr17-40353818-G-A.
Other names: short protein forms R768C.
Identifiers: ClinVar variation 2111390 (VCV002111390.5), dbSNP rs2508694944, ClinGen allele CA399572553.
Genomic context (GRCh38, chr17:42,201,800, plus strand): 5'-ACGATTGTGCGTGCGGGATCCACTGACTGTCCATTGGCCGGCCCAGGAGCTCCTCCACAC[G>A]CCGCGCTACGTCCATTGTGTCCTCCAGATCGAAGTCCCCATCGGTGTCAAGGACTGAGTC-3'
Protein context (NP_036580.2, residues 758-778): DLEDTMDVAR[Arg768Cys]VEELLGRPMD

ClinVar aggregate classification (germline): Uncertain significance. Review status: criteria provided, multiple submitters, no conflicts (2 of 4 stars). 2 submissions from 2 submitters: Uncertain significance (2). Last evaluated 2025-10-30.

Conditions:
Inborn genetic diseases. Identifiers: MedGen C0950123, MeSH D030342.
Growth hormone insensitivity with immune dysregulation 1, autosomal recessive. Also called: LARON SYNDROME DUE TO POSTRECEPTOR DEFECT; GROWTH HORMONE INSENSITIVITY SYNDROME WITH IMMUNE DYSREGULATION 1, AUTOSOMAL RECESSIVE; GROWTH HORMONE INSENSITIVITY DUE TO POSTRECEPTOR DEFECT; Laron syndrome with immunodeficiency. Identifiers: Orphanet 220465, MedGen C5435698, MONDO:0100211, OMIM 245590.

Allele frequency attached by ClinVar (database versions not stated): gnomAD exomes below 0.00001.
gnomAD v4.1: 1 of 1,614,064 alleles (0.000062%); highest among the groups gnomAD compares: Non-Finnish European, 0.000085%; no homozygotes.

Submissions (2):

Ambry Genetics
Classification: Uncertain significance for Inborn genetic diseases. Last evaluated: 2025-10-30. Review status: criteria provided, single submitter. Criteria: Ambry Variant Classification Scheme 2023. Collection method: clinical testing. Allele origin: germline.

Labcorp Genetics (formerly Invitae), Labcorp
Classification: Uncertain significance for Growth hormone insensitivity with immune dysregulation 1, autosomal recessive. Last evaluated: 2023-11-28. Review status: criteria provided, single submitter. Criteria: Invitae Variant Classification Sherloc (09022015). Collection method: clinical testing. Allele origin: germline.
Comment: This sequence change replaces arginine, which is basic and polar, with cysteine, which is neutral and slightly polar, at codon 768 of the STAT5B protein (p.Arg768Cys). This variant is not present in population databases (gnomAD no frequency). This variant has not been reported in the literature in individuals affected with STAT5B-related conditions. ClinVar contains an entry for this variant (Variation ID: 2111390). An algorithm developed to predict the effect of missense changes on protein structure and function (PolyPhen-2) suggests that this variant is likely to be tolerated. In summary, the available evidence is currently insufficient to determine the role of this variant in disease. Therefore, it has been classified as a Variant of Uncertain Significance.